The following is an entry in ClinVar:

ClinVar aggregate classification (germline): Uncertain significance (1 of 4 stars; one submission).

Submission:

Labcorp Genetics (formerly Invitae), Labcorp
Classification: Uncertain significance. Last evaluated: 2024-07-29. Review status: criteria provided, single submitter. Criteria: Invitae Variant Classification Sherloc (09022015). Collection method: clinical testing. Allele origin: germline.
Comment: This variant, c.73_75del, results in the deletion of 1 amino acid(s) of the FGFRL1 protein (p.Ala25del), but otherwise preserves the integrity of the reading frame. The frequency data for this variant in the population databases is considered unreliable, as metrics indicate poor data quality at this position in the gnomAD database. This variant has not been reported in the literature in individuals affected with FGFRL1-related conditions. Experimental studies and prediction algorithms are not available or were not evaluated, and the functional significance of this variant is currently unknown. In summary, the available evidence is currently insufficient to determine the role of this variant in disease. Therefore, it has been classified as a Variant of Uncertain Significance.

NM_001004356.3(FGFRL1):c.64GCC[3] (p.Ala25del)

Gene: FGFRL1 (fibroblast growth factor receptor like 1; plus strand). Cytogenetic location: 4p16.3.
Variant type: Microsatellite.
Coding change: c.64GCC[3] on transcript NM_001004356.3 (MANE Select); three copies in a row of the 3-base unit GCC starting at c.64; the reference has four copies in a row; one copy, 3 bases deleted.
Protein change: p.Ala25del; deletes alanine 25.
Molecular consequence: inframe deletion.
Genome position (GRCh38, 1-based): chr4:1,012,558-1,012,560, GCC deleted; deleting any 3 consecutive bases within chr4:1,012,549-1,012,560 gives the same sequence; the position shown is the placement nearest the transcript's 3' end. VCF-style (leftmost placement, unchanged base first): chr4-1012548-GGCC-G. GRCh37 (hg19) VCF-style: chr4-1006336-GGCC-G.
Other names: c.64GCC[3], p.Ala25del (NM_001004358.1, NM_001370296.1, NM_021923.3); short protein forms A25del.
Identifiers: ClinVar variation 2170296 (VCV002170296.4), dbSNP rs776508642, ClinGen allele CA2802538.